The following is an entry in ClinVar:

NM_004415.4(DSP):c.2709T>A (p.Tyr903Ter)

Gene: DSP (desmoplakin; plus strand). Cytogenetic location: 6p24.3.
Variant type: single nucleotide variant.
Coding change: c.2709T>A on transcript NM_004415.4 (MANE Select); coding-DNA position 2709, T replaced by A.
Protein change: p.Tyr903Ter; replaces tyrosine 903 with a stop codon.
Molecular consequence: nonsense.
Genome position (GRCh38, 1-based): chr6:7,576,372, T>A. VCF-style: chr6-7576372-T-A. GRCh37 (hg19) VCF-style: chr6-7576605-T-A.
Other names: c.2709T>A, p.Tyr903Ter (NM_001008844.3, NM_001319034.2); short protein forms Y903*.
Identifiers: ClinVar variation 1795020 (VCV001795020.3), dbSNP rs2533911411, ClinGen allele CA362681959.

ClinVar aggregate classification (germline): Pathogenic (1 of 4 stars; one submission).

Conditions:
Cardiovascular phenotype. Identifiers: MedGen CN230736.

Submission:

Ambry Genetics
Classification: Pathogenic for Cardiovascular phenotype. Last evaluated: 2024-07-24. Review status: criteria provided, single submitter. Criteria: Ambry Variant Classification Scheme 2023. Collection method: clinical testing. Allele origin: germline.
Comment: The p.Y903* pathogenic mutation (also known as c.2709T>A), located in coding exon 19 of the DSP gene, results from a T to A substitution at nucleotide position 2709. This changes the amino acid from a tyrosine to a stop codon within coding exon 19. This variant is considered to be rare based on population cohorts in the Genome Aggregation Database (gnomAD). Alterations in DSP that result in haploinsufficiency or protein truncation have been reported in patients with arrhythmogenic right ventricular cardiomyopathy (ARVC) and dilated cardiomyopathy (DCM) (Fressart V et al. Europace. 2010;12(6):861-8; Elliott P et al. Circ Cardiovasc Genet. 2010;3(4):314-22; Quarta G et al. Circulation. 2011;123(23):2701-9; Garcia-Pavia P et al. Heart. 2011;97(21):1744-52; Rasmussen TB et al. Clin Genet. 2013;84(1):20-30; Pugh TJ et al. Genet Med. 2014;16(8):601-8). This alteration is expected to result in loss of function by premature protein truncation or nonsense-mediated mRNA decay. As such, this alteration is interpreted as a disease-causing mutation.